The following is an entry in ClinVar:

ClinVar aggregate classification (germline): Uncertain significance (1 of 4 stars; one submission).

Submission:

Labcorp Genetics (formerly Invitae), Labcorp
Classification: Uncertain significance. Last evaluated: 2023-05-27. Review status: criteria provided, single submitter. Criteria: Invitae Variant Classification Sherloc (09022015). Collection method: clinical testing. Allele origin: germline.
Comment: This variant has not been reported in the literature in individuals affected with YWHAG-related conditions. This variant is not present in population databases (gnomAD no frequency). This sequence change replaces tyrosine, which is neutral and polar, with serine, which is neutral and polar, at codon 49 of the YWHAG protein (p.Tyr49Ser). Advanced modeling of protein sequence and biophysical properties (such as structural, functional, and spatial information, amino acid conservation, physicochemical variation, residue mobility, and thermodynamic stability) performed at Invitae indicates that this missense variant is expected to disrupt YWHAG protein function. In summary, the available evidence is currently insufficient to determine the role of this variant in disease. Therefore, it has been classified as a Variant of Uncertain Significance.

NM_012479.4(YWHAG):c.146A>C (p.Tyr49Ser)

Gene: YWHAG (tyrosine 3-monooxygenase/tryptophan 5-monooxygenase activation protein gamma; minus strand). Cytogenetic location: 7q11.23.
Variant type: single nucleotide variant.
Coding change: c.146A>C on transcript NM_012479.4 (MANE Select); coding-DNA position 146, A replaced by C.
Protein change: p.Tyr49Ser; replaces tyrosine 49 with serine.
Molecular consequence: missense variant.
Genome position (GRCh38, 1-based): chr7:76,330,175, T>G on the plus strand (A>C on the coding strand, the complement: YWHAG is on the minus strand). VCF-style: chr7-76330175-T-G. GRCh37 (hg19) VCF-style: chr7-75959492-T-G.
Other names: short protein forms Y49S.
Identifiers: ClinVar variation 2735172 (VCV002735172.3), dbSNP rs2536181280, ClinGen allele CA367778048.